The following is an entry in ClinVar:

NM_000092.5(COL4A4):c.1460G>A (p.Gly487Glu)

Gene: COL4A4 (collagen type IV alpha 4 chain; minus strand). Cytogenetic location: 2q36.3.
Variant type: single nucleotide variant.
Coding change: c.1460G>A on transcript NM_000092.5 (MANE Select); coding-DNA position 1460, G replaced by A.
Protein change: p.Gly487Glu; replaces glycine 487 with glutamic acid.
Molecular consequence: missense variant.
Genome position (GRCh38, 1-based): chr2:227,088,816, C>T on the plus strand (G>A on the coding strand, the complement: COL4A4 is on the minus strand). VCF-style: chr2-227088816-C-T. GRCh37 (hg19) VCF-style: chr2-227953532-C-T.
Other names: short protein forms G487E.
Identifiers: ClinVar variation 423426 (VCV000423426.4), dbSNP rs1064796418, ClinGen allele CA16617487.

ClinVar aggregate classification (germline): Uncertain significance. Review status: criteria provided, multiple submitters, no conflicts (2 of 4 stars). 2 submissions from 2 submitters: Uncertain significance (2). Last evaluated 2024-10-18.

Conditions:
COL4A4-related disorder.

Submissions (2):

PreventionGenetics, part of Exact Sciences
Classification: Uncertain significance for COL4A4-related condition. Last evaluated: 2024-10-18. Review status: criteria provided, single submitter. Criteria: ACMG Guidelines, 2015. Collection method: clinical testing. Allele origin: germline.
Comment: The COL4A4 c.1460G>A variant is predicted to result in the amino acid substitution p.Gly487Glu. To our knowledge, this variant has not been reported in the literature or in a large population database (gnomAD), indicating this variant is rare. At this time, the clinical significance of this variant is uncertain due to the absence of conclusive functional and genetic evidence.

GeneDx
Classification: Uncertain significance. Last evaluated: 2017-02-22. Review status: criteria provided, single submitter. Criteria: GeneDx Variant Classification (06012015). Collection method: clinical testing. Allele origin: germline. Affected: yes.
Comment: The G487E variant in the COL4A4 gene has not been reported previously as a pathogenic variant, nor as a benign variant, to our knowledge. The G487E variant is not observed in large population cohorts (Lek et al., 2016; 1000 Genomes Consortium et al., 2015; Exome Variant Server). The G487E variant is a non-conservative amino acid substitution, which is likely to impact secondary protein structure as these residues differ in polarity, charge, size and/or other properties. This substitution occurs at a position that is conserved in mammals. In silico analysis predicts this variant is probably damaging to the protein structure/function. We interpret G487E as a variant of uncertain significance.